The following is an entry in ClinVar:

ClinVar aggregate classification (germline): Uncertain significance (1 of 4 stars; one submission).

Submission:

Women's Health and Genetics/Laboratory Corporation of America, LabCorp
Classification: Uncertain significance. Last evaluated: 2026-05-18. Review status: criteria provided, single submitter. Criteria: LabCorp Variant Classification Summary - May 2015. Collection method: clinical testing. Allele origin: germline.
Comment: Variant summary: TMPRSS3 c.929T>C (p.Leu310Pro) results in a non-conservative amino acid change in the encoded protein sequence. Algorithms developed to predict the effect of missense changes on protein structure and function all suggest that this variant is likely to be disruptive. The variant was absent in 249060 control chromosomes. The available data on variant occurrences in the general population are insufficient to allow any conclusion about variant significance. To our knowledge, no occurrence of c.929T>C in individuals affected with TMPRSS3-related conditions and no experimental evidence demonstrating its impact on protein function have been reported. No submitters have cited clinical-significance assessments for this variant to ClinVar. Based on the evidence outlined above, the variant was classified as uncertain significance.

NM_001256317.3(TMPRSS3):c.929T>C (p.Leu310Pro)

Gene: TMPRSS3 (transmembrane serine protease 3; minus strand). Cytogenetic location: 21q22.3.
Variant type: single nucleotide variant.
Coding change: c.929T>C on transcript NM_001256317.3 (MANE Select); coding-DNA position 929, T replaced by C.
Protein change: p.Leu310Pro; replaces leucine 310 with proline.
Molecular consequence: missense variant.
Genome position (GRCh38, 1-based): chr21:42,382,088, A>G on the plus strand (T>C on the coding strand, the complement: TMPRSS3 is on the minus strand). VCF-style: chr21-42382088-A-G. GRCh37 (hg19) VCF-style: chr21-43802197-A-G.
Other names: c.929T>C, p.Leu310Pro (NM_024022.4, NM_032405.2); c.548T>C, p.Leu183Pro (NM_032404.3); short protein forms L183P, L310P.
Identifiers: ClinVar variation 4852983 (VCV004852983.1).
Genomic context (GRCh38, chr21:42,382,088, plus strand): 5'-GGAAGAGCTGCAGAACCACATAGAGACCCAGATGTACCATTGAACGTGAGTGGCCCGGCC[A>G]GCTTCATAAGGGCGATGTCATTGCCCAGCCTCTTTGGCTTGTACTTGCTGTGGTAGACAA-3'
Protein context (NP_001243246.1, residues 300-320): RLGNDIALMK[Leu310Pro]AGPLTFNEMI